The following is an entry in ClinVar:

ClinVar aggregate classification (germline): Uncertain significance. Review status: criteria provided, multiple submitters, no conflicts (2 of 4 stars). 2 submissions from 2 submitters: Uncertain significance (2). Last evaluated 2025-01-23.

Conditions:
Hereditary cancer-predisposing syndrome. Also called: Hereditary Cancer Syndrome; Hereditary neoplastic syndrome; Neoplastic Syndromes, Hereditary; Tumor predisposition. Identifiers: Orphanet 140162, MedGen C0027672, MeSH D009386, MONDO:0015356.
Familial meningioma. Also called: Meningioma, familial, susceptibility to. Identifiers: Orphanet 263662, MedGen C3551915, MONDO:0011789, OMIM 607174.

Submissions (2):

Ambry Genetics
Classification: Uncertain significance for Hereditary cancer-predisposing syndrome. Last evaluated: 2025-01-23. Review status: criteria provided, single submitter. Criteria: Ambry Variant Classification Scheme 2023. Collection method: clinical testing. Allele origin: germline.
Comment: The c.991_993delGAG variant (also known as p.E331del) is located in coding exon 9 of the SMARCE1 gene. This variant results from an in-frame GAG deletion at nucleotide positions 991 to 993. This results in the in-frame deletion of a glutamic acid at codon 331. This amino acid position is not well conserved in available vertebrate species. In addition, this alteration is predicted to be neutral by in silico analysis (Choi Y et al. PLoS ONE. 2012; 7(10):e46688). Based on the available evidence, the clinical significance of this variant remains unclear.

Labcorp Genetics (formerly Invitae), Labcorp
Classification: Uncertain significance for Familial meningioma. Last evaluated: 2024-04-15. Review status: criteria provided, single submitter. Criteria: Invitae Variant Classification Sherloc (09022015). Collection method: clinical testing. Allele origin: germline.
Comment: This variant, c.991_993del, results in the deletion of 1 amino acid(s) of the SMARCE1 protein (p.Glu331del), but otherwise preserves the integrity of the reading frame. This variant is present in population databases (rs748967613, gnomAD 0.004%). This variant has not been reported in the literature in individuals affected with SMARCE1-related conditions. ClinVar contains an entry for this variant (Variation ID: 1768591). Experimental studies and prediction algorithms are not available or were not evaluated, and the functional significance of this variant is currently unknown. In summary, the available evidence is currently insufficient to determine the role of this variant in disease. Therefore, it has been classified as a Variant of Uncertain Significance.

NM_003079.5(SMARCE1):c.988GAG[1] (p.Glu331del)

Gene: SMARCE1 (SWI/SNF related BAF chromatin remodeling complex subunit E1; minus strand). Cytogenetic location: 17q21.2.
Variant type: Microsatellite.
Coding change: c.988GAG[1] on transcript NM_003079.5 (MANE Select); one copy of the 3-base unit GAG starting at c.988; the reference has two copies in a row; one copy, 3 bases deleted.
Protein change: p.Glu331del; deletes glutamic acid 331.
Molecular consequence: inframe deletion. On other transcripts: inframe indel (2).
Genome position (GRCh38, 1-based): chr17:40,630,748-40,630,750, CTC deleted on the plus strand (GAG on the coding strand, the reverse complement: SMARCE1 is on the minus strand); deleting any 3 consecutive bases within chr17:40,630,748-40,630,753 gives the same sequence; the position shown is the placement nearest the transcript's 3' end. VCF-style (leftmost placement, unchanged base first): chr17-40630747-TCTC-T. GRCh37 (hg19) VCF-style: chr17-38786999-TCTC-T.
Other names: c.991_993delGAG (NM_003079.4); c.988_990GAG[1], p.Glu331del (NM_003079.4); short protein forms E331del.
Identifiers: ClinVar variation 1768591 (VCV001768591.8), dbSNP rs748967613, ClinGen allele CA8545123.